The following is an entry in ClinVar:

ClinVar aggregate classification (germline): Likely benign. Review status: criteria provided, multiple submitters, no conflicts (2 of 4 stars). 4 submissions from 4 submitters: Likely benign (3). 1 of the submissions does not count toward it. Last evaluated 2025-11-05.

Conditions:
SNRPB-related disorder. Also called: SNRPB-related condition.

Allele frequency attached by ClinVar (database versions not stated): ESP Exome Variant Server 0.00008; ExAC 0.00014; gnomAD exomes 0.00019; 1000 Genomes Project 0.00020; gnomAD 0.00029 and 0.00031; 1000 Genomes Project 30x 0.00031; TOPMed 0.00034.
gnomAD v4.1: 616 of 1,613,158 alleles (0.038%); highest among the groups gnomAD compares: Non-Finnish European, 0.048%; no homozygotes.

Submissions (4):

Labcorp Genetics (formerly Invitae), Labcorp
Classification: Likely benign. Last evaluated: 2025-11-05. Review status: criteria provided, single submitter. Criteria: Invitae Variant Classification Sherloc (09022015). Collection method: clinical testing. Allele origin: germline.

CeGaT Center for Human Genetics Tuebingen
Classification: Likely benign. Last evaluated: 2025-06-01. Review status: criteria provided, single submitter. Criteria: CeGaT Center For Human Genetics Tuebingen Variant Classification Criteria Version 2. Collection method: clinical testing. Allele origin: germline. Affected: yes. Observed: 1 variant allele.
Comment: SNRPB: BP4, BP7

Blueprint Genetics
Classification: Likely benign. Last evaluated: 2024-08-23. Review status: criteria provided, single submitter. Criteria: ACMG Guidelines, 2015. Collection method: clinical testing. Allele origin: germline.

PreventionGenetics, part of Exact Sciences
Classification: Likely benign for SNRPB-related condition. Last evaluated: 2019-02-28. Review status: no assertion criteria provided. Collection method: clinical testing. Allele origin: germline. Not counted in ClinVar's aggregate classification.
Comment: This variant is classified as likely benign based on ACMG/AMP sequence variant interpretation guidelines (Richards et al. 2015 PMID: 25741868, with internal and published modifications).

NM_003091.4(SNRPB):c.318C>T (p.Ile106=)

Gene: SNRPB (small nuclear ribonucleoprotein polypeptides B and B1; minus strand). Cytogenetic location: 20p13.
Variant type: single nucleotide variant.
Coding change: c.318C>T on transcript NM_003091.4 (MANE Select); coding-DNA position 318, C replaced by T.
Protein change: p.Ile106=; no amino-acid change (isoleucine 106 retained).
Molecular consequence: synonymous variant.
Genome position (GRCh38, 1-based): chr20:2,463,849, G>A on the plus strand (C>T on the coding strand, the complement: SNRPB is on the minus strand). VCF-style: chr20-2463849-G-A. GRCh37 (hg19) VCF-style: chr20-2444495-G-A.
Other names: c.318C>T, p.Ile106= (NM_198216.2).
Identifiers: ClinVar variation 708741 (VCV000708741.21), dbSNP rs112240907, ClinGen allele CA9732466.
Genomic context (GRCh38, chr20:2,463,849, plus strand): 5'-TCCTGCAGGAGCCTGGGGCATGGGAACCCCAGCTGGGATTCCTCTGCCAGCAGCCCTGCC[G>A]ATCCCTGGGCCCCCGGCAGCTCCAGCAAGTGGAACTCGAGCAATACCAGTCTGAAAAATA-3'
Protein context (NP_003082.1, residues 96-116): PLAGAAGGPG[Ile106=]GRAAGRGIPA